The following is an entry in ClinVar:

ClinVar aggregate classification (germline): Conflicting classifications of pathogenicity. Review status: criteria provided, conflicting classifications (1 of 4 stars). 2 submissions from 2 submitters: Likely pathogenic (1); Uncertain significance (1). Last evaluated 2021-07-23.

Conditions:
Osteogenesis imperfecta, type 21. Also called: OSTEOGENESIS IMPERFECTA, TYPE XXI. Identifiers: MedGen C5436875, MONDO:0030861, OMIM 619131.
Osteogenesis imperfecta type III (OI3). Also called: Progressively Deforming Osteogenesis Imperfecta; Osteogenesis imperfecta type 3; OI type 3; Osteogenesis imperfecta, progressively deforming with normal sclerae; OI type III. Identifiers: Orphanet 216812, Orphanet 666, MedGen C0268362, MONDO:0009804, OMIM 259420.

Allele frequency attached by ClinVar (database versions not stated): gnomAD 0.00001; gnomAD exomes 0.00001; TOPMed 0.00001.
gnomAD v4.1: 14 of 1,614,056 alleles (0.00087%); highest among the groups gnomAD compares: Admixed American, 0.0033%; no homozygotes.

Submissions (2):

Laboratorio de Genetica e Diagnostico Molecular, Hospital Israelita Albert Einstein
Classification: Uncertain significance for Osteogenesis imperfecta, type 21. Last evaluated: 2021-07-23. Review status: criteria provided, single submitter. Criteria: ACMG Guidelines, 2015. Collection method: clinical testing. Allele origin: germline. Affected: yes.
Comment: ACMG classification criteria: PM2 moderate, PM3 supporting

Clinical Biomedical Laboratory, Shriners Hospital For Children - Canada
Classification: Likely pathogenic for Osteogenesis imperfecta type III. Review status: criteria provided, single submitter. Criteria: ACMG Guidelines, 2015. Collection method: clinical testing. Allele origin: germline. Affected: yes.
Comment: This variant is predicted to substitute an arginine residue by a cycteine residue in KDELR2. The variant present at very low frequency in the Genome Aggregation Database v2.1.1, indicating it is rare. Computational tools: (SIFT = 0, damaging; Polyphen-2 = 1.0, damaging; PhyloP = 7.5 conserved) suggest that the amino acid is conserved and that change is detrimental to protein function. Based on the ACMG variant interpretation guidelines, the available evidence supports classification of this variant as likely pathogenic.

NM_006854.4(KDELR2):c.505C>T (p.Arg169Cys)

Gene: KDELR2 (KDEL endoplasmic reticulum protein retention receptor 2; minus strand). Cytogenetic location: 7p22.1.
Variant type: single nucleotide variant.
Coding change: c.505C>T on transcript NM_006854.4 (MANE Select); coding-DNA position 505, C replaced by T.
Protein change: p.Arg169Cys; replaces arginine 169 with cysteine.
Molecular consequence: missense variant. On other transcripts: intron variant (1).
Genome position (GRCh38, 1-based): chr7:6,466,170, G>A on the plus strand (C>T on the coding strand, the complement: KDELR2 is on the minus strand). VCF-style: chr7-6466170-G-A. GRCh37 (hg19) VCF-style: chr7-6505801-G-A.
Other names: c.352-2995C>T (NM_001100603.2); short protein forms R169C.
Identifiers: ClinVar variation 1683644 (VCV001683644.2), dbSNP rs1363157649, ClinGen allele CA366775931.